The following is an entry in ClinVar:

NM_006182.4(DDR2):c.677C>G (p.Thr226Arg)

Gene: DDR2 (discoidin domain receptor tyrosine kinase 2; plus strand). Cytogenetic location: 1q23.3.
Variant type: single nucleotide variant.
Coding change: c.677C>G on transcript NM_006182.4 (MANE Select); coding-DNA position 677, C replaced by G.
Protein change: p.Thr226Arg; replaces threonine 226 with arginine.
Molecular consequence: missense variant.
Genome position (GRCh38, 1-based): chr1:162,759,801, C>G. VCF-style: chr1-162759801-C-G. GRCh37 (hg19) VCF-style: chr1-162729591-C-G.
Other names: c.677C>G, p.Thr226Arg (NM_001014796.3, NM_001354982.2, NM_001354983.2); short protein forms T226R.
Identifiers: ClinVar variation 1950215 (VCV001950215.5), dbSNP rs1270686569, ClinGen allele CA343408191.

ClinVar aggregate classification (germline): Uncertain significance (1 of 4 stars; one submission).

Allele frequency attached by ClinVar (database versions not stated): gnomAD exomes below 0.00001; TOPMed below 0.00001; gnomAD 0.00001.
gnomAD v4.1: 3 of 1,613,864 alleles (0.00019%); highest among the groups gnomAD compares: African/African-American, 0.0013%; no homozygotes.

Submission:

Labcorp Genetics (formerly Invitae), Labcorp
Classification: Uncertain significance. Last evaluated: 2022-08-21. Review status: criteria provided, single submitter. Criteria: Invitae Variant Classification Sherloc (09022015). Collection method: clinical testing. Allele origin: germline.
Comment: This sequence change replaces threonine, which is neutral and polar, with arginine, which is basic and polar, at codon 226 of the DDR2 protein (p.Thr226Arg). This variant is not present in population databases (gnomAD no frequency). This variant has not been reported in the literature in individuals affected with DDR2-related conditions. Algorithms developed to predict the effect of missense changes on protein structure and function (SIFT, PolyPhen-2, Align-GVGD) all suggest that this variant is likely to be disruptive. In summary, the available evidence is currently insufficient to determine the role of this variant in disease. Therefore, it has been classified as a Variant of Uncertain Significance.